The following is an entry in ClinVar:

ClinVar aggregate classification (germline): Pathogenic (1 of 4 stars; one submission).

Submission:

Labcorp Genetics (formerly Invitae), Labcorp
Classification: Pathogenic. Last evaluated: 2025-02-25. Review status: criteria provided, single submitter. Criteria: Invitae Variant Classification Sherloc (09022015). Collection method: clinical testing. Allele origin: germline.
Comment: This sequence change creates a premature translational stop signal (p.Val620Tyrfs*5) in the KIF11 gene. It is expected to result in an absent or disrupted protein product. Loss-of-function variants in KIF11 are known to be pathogenic (PMID: 22284827, 24281367). This variant is not present in population databases (gnomAD no frequency). This variant has not been reported in the literature in individuals affected with KIF11-related conditions. Algorithms developed to predict the effect of sequence changes on RNA splicing suggest that this variant may disrupt the consensus splice site. For these reasons, this variant has been classified as Pathogenic.

Literature cited by the submitters: PubMed 22284827; PubMed 24281367.

NM_004523.4(KIF11):c.1858del (p.Val620fs)

Gene: KIF11 (kinesin family member 11; plus strand). Cytogenetic location: 10q23.33.
Variant type: Deletion.
Coding change: c.1858del on transcript NM_004523.4 (MANE Select); coding-DNA position 1858, one base deleted (G; older notation c.1858delG).
Protein change: p.Val620fs; shifts the reading frame from valine 620.
Molecular consequence: frameshift variant.
Genome position (GRCh38, 1-based): chr10:92,633,778, G deleted. VCF-style (leftmost placement, unchanged base first): chr10-92633777-TG-T. GRCh37 (hg19) VCF-style: chr10-94393534-TG-T.
Other names: short protein forms V620fs.
Identifiers: ClinVar variation 4711810 (VCV004711810.1).